The following is an entry in ClinVar:

NM_001371986.1(UNC80):c.2460C>A (p.His820Gln)

Gene: UNC80 (unc-80 subunit of NALCN channel complex; plus strand). Cytogenetic location: 2q34.
Variant type: single nucleotide variant.
Coding change: c.2460C>A on transcript NM_001371986.1 (MANE Select); coding-DNA position 2460, C replaced by A.
Protein change: p.His820Gln; replaces histidine 820 with glutamine.
Molecular consequence: missense variant.
Genome position (GRCh38, 1-based): chr2:209,826,035, C>A. VCF-style: chr2-209826035-C-A. GRCh37 (hg19) VCF-style: chr2-210690759-C-A.
Other names: c.2460C>A, p.His820Gln (NM_032504.2, NM_182587.4); c.2460C>A (NM_032504.1); short protein forms H820Q.
Identifiers: ClinVar variation 1529322 (VCV001529322.9), dbSNP rs535847891, ClinGen allele CA2083025.

ClinVar aggregate classification (germline): Conflicting classifications of pathogenicity. Review status: criteria provided, conflicting classifications (1 of 4 stars). 2 submissions from 2 submitters: Uncertain significance (1); Likely benign (1). Last evaluated 2026-02-24.

Allele frequency attached by ClinVar (database versions not stated): TOPMed below 0.00001; gnomAD 0.00003; 1000 Genomes Project 30x 0.00016; 1000 Genomes Project 0.00020.
gnomAD v4.1: 120 of 1,548,316 alleles (0.0078%); highest among the groups gnomAD compares: South Asian, 0.14%; 1 homozygote.

Submissions (2):

GeneDx
Classification: Uncertain significance. Last evaluated: 2026-02-24. Review status: criteria provided, single submitter. Criteria: GeneDx Variant Classification Process June 2021. Collection method: clinical testing. Allele origin: germline.
Comment: In silico analysis suggests that this missense variant does not alter protein structure/function; Has not been previously published as pathogenic or benign to our knowledge

Labcorp Genetics (formerly Invitae), Labcorp
Classification: Likely benign. Last evaluated: 2025-12-28. Review status: criteria provided, single submitter. Criteria: Invitae Variant Classification Sherloc (09022015). Collection method: clinical testing. Allele origin: germline.